The following is an entry in ClinVar:

ClinVar aggregate classification (germline): Uncertain significance. Review status: criteria provided, multiple submitters, no conflicts (2 of 4 stars). 2 submissions from 2 submitters: Uncertain significance (2). Last evaluated 2022-05-27.

Conditions:
Inborn genetic diseases. Identifiers: MedGen C0950123, MeSH D030342.

Allele frequency attached by ClinVar (database versions not stated): ExAC 0.00002.
gnomAD v4.1: 40 of 1,608,178 alleles (0.0025%); highest among the groups gnomAD compares: African/African-American, 0.004%; no homozygotes.

Submissions (2):

Labcorp Genetics (formerly Invitae), Labcorp
Classification: Uncertain significance. Last evaluated: 2022-05-27. Review status: criteria provided, single submitter. Criteria: Invitae Variant Classification Sherloc (09022015). Collection method: clinical testing. Allele origin: germline.
Comment: This sequence change replaces asparagine, which is neutral and polar, with serine, which is neutral and polar, at codon 9 of the SNAP29 protein (p.Asn9Ser). The frequency data for this variant in the population databases is considered unreliable, as metrics indicate poor data quality at this position in the gnomAD database. This variant has not been reported in the literature in individuals affected with SNAP29-related conditions. Algorithms developed to predict the effect of missense changes on protein structure and function are either unavailable or do not agree on the potential impact of this missense change (SIFT: "Deleterious"; PolyPhen-2: "Possibly Damaging"; Align-GVGD: "Class C15"). In summary, the available evidence is currently insufficient to determine the role of this variant in disease. Therefore, it has been classified as a Variant of Uncertain Significance.

Ambry Genetics
Classification: Uncertain significance for Inborn genetic diseases. Last evaluated: 2022-02-17. Review status: criteria provided, single submitter. Criteria: Ambry Variant Classification Scheme 2023. Collection method: clinical testing. Allele origin: germline.

NM_004782.4(SNAP29):c.26A>G (p.Asn9Ser)

Gene: SNAP29 (synaptosome associated protein 29; plus strand). Cytogenetic location: 22q11.21.
Variant type: single nucleotide variant.
Coding change: c.26A>G on transcript NM_004782.4 (MANE Select); coding-DNA position 26, A replaced by G.
Protein change: p.Asn9Ser; replaces asparagine 9 with serine.
Molecular consequence: missense variant.
Genome position (GRCh38, 1-based): chr22:20,859,136, A>G. VCF-style: chr22-20859136-A-G. GRCh37 (hg19) VCF-style: chr22-21213424-A-G.
Other names: short protein forms N9S.
Identifiers: ClinVar variation 1983491 (VCV001983491.2), dbSNP rs775931172, ClinGen allele CA10116985.
Genomic context (GRCh38, chr22:20,859,136, plus strand): 5'-CTTCTGTTTCCCAGACCGAGAGCCGCGCCGGCACCATGTCAGCTTACCCTAAAAGCTACA[A>G]TCCGTTCGACGACGACGGGGAGGACGAAGGCGCCCGGCCGGCCCCTTGGAGGGACGCCCG-3'
Protein context (NP_004773.1, residues 1-19): MSAYPKSY[Asn9Ser]PFDDDGEDEG